The following is an entry in ClinVar:

NM_004415.4(DSP):c.5663G>A (p.Ser1888Asn)

Gene: DSP (desmoplakin; plus strand). Cytogenetic location: 6p24.3.
Variant type: single nucleotide variant.
Coding change: c.5663G>A on transcript NM_004415.4 (MANE Select); coding-DNA position 5663, G replaced by A.
Protein change: p.Ser1888Asn; replaces serine 1888 with asparagine.
Molecular consequence: missense variant.
Genome position (GRCh38, 1-based): chr6:7,582,925, G>A. VCF-style: chr6-7582925-G-A. GRCh37 (hg19) VCF-style: chr6-7583158-G-A.
Other names: c.3866G>A, p.Ser1289Asn (NM_001008844.3); c.4334G>A, p.Ser1445Asn (NM_001319034.2); short protein forms S1289N, S1445N, S1888N.
Identifiers: ClinVar variation 3073521 (VCV003073521.2), dbSNP rs1433736921, ClinGen allele CA362689131.
Genomic context (GRCh38, chr6:7,582,925, plus strand): 5'-AGACTCAATATTCCCGCAAGGAGGAGGCTATTAGGAAGATAGAATCGGAAAGAGAAAAGA[G>A]TGAGAGAGAGAAGAACAGTCTTAGGAGTGAGATCGAAAGACTCCAAGCAGAGATCAAGAG-3'
Protein context (NP_004406.2, residues 1878-1898): IRKIESEREK[Ser1888Asn]EREKNSLRSE

ClinVar aggregate classification (germline): Uncertain significance. Review status: criteria provided, multiple submitters, no conflicts (2 of 4 stars). 2 submissions from 2 submitters: Uncertain significance (2). Last evaluated 2026-08-17.

Conditions:
Arrhythmogenic cardiomyopathy with wooly hair and keratoderma. Also called: PALMOPLANTAR KERATODERMA WITH LEFT VENTRICULAR CARDIOMYOPATHY AND WOOLLY HAIR; Carvajal syndrome; Dilated cardiomyopathy with woolly hair and keratoderma; Arrhythmogenic cardiomyopathy with woolly hair and keratoderma. Identifiers: Orphanet 65282, MedGen C1854063, MONDO:0011581, OMIM 605676.
Cardiovascular phenotype. Identifiers: MedGen CN230736.

Allele frequency attached by ClinVar (database versions not stated): gnomAD exomes 0.00001.
gnomAD v4.1: 5 of 1,614,082 alleles (0.00031%); highest among the groups gnomAD compares: Admixed American, 0.0067%; no homozygotes.

Submissions (2):

Ambry Genetics
Classification: Uncertain significance for Cardiovascular phenotype. Last evaluated: 2026-08-17. Review status: criteria provided, single submitter. Criteria: Ambry Variant Classification Scheme 2023. Collection method: clinical testing. Allele origin: germline.

All of Us Research Program, National Institutes of Health
Classification: Uncertain significance for Arrhythmogenic cardiomyopathy with wooly hair and keratoderma. Last evaluated: 2023-10-02. Review status: criteria provided, single submitter. Criteria: ACMG Guidelines, 2015. Collection method: clinical testing. Allele origin: germline. Inheritance: Autosomal dominant inheritance. Observed: 1 variant allele, 1 heterozygote.
Comment: This missense variant replaces serine with asparagine at codon 1888 of the DSP protein. Computational prediction suggests that this variant may not impact protein structure and function (internally defined REVEL score threshold <= 0.5, PMID: 27666373). To our knowledge, functional studies have not been reported for this variant. This variant has not been reported in individuals affected with DSP-related disorders in the literature. This variant has been identified in 1/251206 chromosomes in the general population by the Genome Aggregation Database (gnomAD). The available evidence is insufficient to determine the role of this variant in disease conclusively. Therefore, this variant is classified as a Variant of Uncertain Significance.

This study involves interpretation of variants in research participants for the purpose of population health screening. Participant phenotype was not available at the time of variant classification. Additional details can be found in publication PMID: 35346344, PMCID: PMC8962531